The following is an entry in ClinVar:

NM_000719.7(CACNA1C):c.917-177G>A

Gene: CACNA1C (calcium voltage-gated channel subunit alpha1 C; plus strand). Cytogenetic location: 12p13.33.
Variant type: single nucleotide variant.
Coding change: c.917-177G>A on transcript NM_000719.7 (MANE Select); 177 bases into the intron before coding-DNA position 917, G replaced by A.
Molecular consequence: intron variant.
Genome position (GRCh38, 1-based): chr12:2,493,013, G>A. VCF-style: chr12-2493013-G-A. GRCh37 (hg19) VCF-style: chr12-2602179-G-A.
Other names: c.917-177G>A (NM_001167624.3, NM_001167623.2, NM_001167625.2 and 18 more transcripts); c.917-186G>A (NM_001129844.2).
Identifiers: ClinVar variation 671970 (VCV000671970.5), dbSNP rs1541452, ClinGen allele CA13700722.

ClinVar aggregate classification (germline): Benign. Review status: criteria provided, multiple submitters, no conflicts (2 of 4 stars). 2 submissions from 2 submitters: Benign (2). Last evaluated 2019-12-31.

Conditions:
Long QT syndrome (LQTS). Identifiers: MedGen C0023976, MeSH D008133, MONDO:0002442. Disease mechanism: loss of function. Inheritance: Various modes of inheritance.

Allele frequency attached by ClinVar (database versions not stated): gnomAD 0.37727 and 0.38280; TOPMed 0.39402; 1000 Genomes Project 0.40156; 1000 Genomes Project 30x 0.41084.
gnomAD v4.1: 57,160 of 152,168 alleles (38%); highest among the groups gnomAD compares: African/African-American, 68%; 13,542 homozygotes.

Submissions (2):

Labcorp Genetics (formerly Invitae), Labcorp
Classification: Benign for Long QT syndrome. Last evaluated: 2019-12-31. Review status: criteria provided, single submitter. Criteria: Invitae Variant Classification Sherloc (09022015). Collection method: clinical testing. Allele origin: germline.

GeneDx
Classification: Benign. Last evaluated: 2018-06-14. Review status: criteria provided, single submitter. Criteria: GeneDx Variant Classification (06012015). Collection method: clinical testing. Allele origin: germline. Affected: yes.
Comment: This variant is considered likely benign or benign based on one or more of the following criteria: it is a conservative change, it occurs at a poorly conserved position in the protein, it is predicted to be benign by multiple in silico algorithms, and/or has population frequency not consistent with disease.